The following is an entry in ClinVar:

NM_022124.6(CDH23):c.2206C>T (p.Arg736Ter)

Gene: CDH23 (cadherin related 23; plus strand). Cytogenetic location: 10q22.1.
Variant type: single nucleotide variant.
Coding change: c.2206C>T on transcript NM_022124.6 (MANE Select); coding-DNA position 2206, C replaced by T.
Protein change: p.Arg736Ter; replaces arginine 736 with a stop codon.
Molecular consequence: nonsense.
Genome position (GRCh38, 1-based): chr10:71,694,176, C>T. VCF-style: chr10-71694176-C-T. GRCh37 (hg19) VCF-style: chr10-73453933-C-T.
Other names: c.2206C>T, p.Arg736Ter (NM_001171930.2, NM_001171931.2); short protein forms R736*.
Identifiers: ClinVar variation 693998 (VCV000693998.11), dbSNP rs1230303971, ClinGen allele CA377134677.

ClinVar aggregate classification (germline): Pathogenic. Review status: criteria provided, multiple submitters, no conflicts (2 of 4 stars). 5 submissions from 5 submitters: Pathogenic (3). 2 of the submissions do not count toward it. Last evaluated 2025-05-29.

Conditions:
Pituitary adenoma 5, multiple types. Identifiers: MedGen C4539685, MONDO:0054601, OMIM 617540.
Usher syndrome type 1D (USH1D). Also called: USHER SYNDROME, TYPE ID. Identifiers: Orphanet 231169, Orphanet 886, MedGen C1832845, MONDO:0010984, OMIM 601067.
CDH23-related disorder. Also called: CDH23-related disorders; CDH23-related condition.
Usher syndrome type 1 (USH1). Also called: RETINITIS PIGMENTOSA AND CONGENITAL DEAFNESS. Identifiers: Orphanet 231169, Orphanet 886, MedGen C1568247, MONDO:0010168, OMIM 276900.

Allele frequency attached by ClinVar (database versions not stated): TOPMed 0.00001.
gnomAD v4.1: 9 of 1,613,794 alleles (0.00056%); highest among the groups gnomAD compares: Non-Finnish European, 0.00076%; no homozygotes.

Submissions (5):

Labcorp Genetics (formerly Invitae), Labcorp
Classification: Pathogenic. Last evaluated: 2025-05-29. Review status: criteria provided, single submitter. Criteria: Invitae Variant Classification Sherloc (09022015). Collection method: clinical testing. Allele origin: germline.
Comment: This sequence change creates a premature translational stop signal (p.Arg736*) in the CDH23 gene. It is expected to result in an absent or disrupted protein product. Loss-of-function variants in CDH23 are known to be pathogenic (PMID: 11138009, 21940737). This variant is present in population databases (no rsID available, gnomAD 0.002%). This premature translational stop signal has been observed in individual(s) with Usher syndrome (PMID: 17407589). ClinVar contains an entry for this variant (Variation ID: 693998). For these reasons, this variant has been classified as Pathogenic.

Blueprint Genetics
Classification: Pathogenic for CDH23-related disorders. Last evaluated: 2024-07-19. Review status: criteria provided, single submitter. Criteria: ACMG Guidelines, 2015. Collection method: clinical testing. Allele origin: germline. Affected: yes. Observed: 5 variant alleles.

Baylor Genetics
Classification: Pathogenic for Pituitary adenoma 5, multiple types. Last evaluated: 2023-09-17. Review status: criteria provided, single submitter. Criteria: ACMG Guidelines, 2015. Collection method: clinical testing. Allele origin: unknown.

Natera, Inc.
Classification: Pathogenic for Usher syndrome type 1. Last evaluated: 2021-07-21. Review status: no assertion criteria provided. Collection method: clinical testing. Allele origin: germline. Not counted in ClinVar's aggregate classification.

Department of biochemistry and genetics, Arak University of Medical sciences
Classification: Pathogenic for Usher syndrome type 1D. Last evaluated: 2019-10-24. Review status: no assertion criteria provided. Collection method: clinical testing. Allele origin: inherited. Inheritance: Autosomal recessive inheritance. Affected: yes. Observed: 2 variant alleles, 2 homozygotes. Not counted in ClinVar's aggregate classification.
Comment: We identified a mutation in c.2206C>T (NM_001171931.1), p.Arg736Ter (NP_071407.4) in the two homozygous brothers with hearing loss and RP.

Literature cited by the submitters: PubMed 11138009 (cited by Labcorp Genetics (formerly Invitae), Labcorp); PubMed 21940737 (cited by Labcorp Genetics (formerly Invitae), Labcorp); PubMed 17407589 (cited by Labcorp Genetics (formerly Invitae), Labcorp).